The following is an entry in ClinVar:

ClinVar aggregate classification (germline): Uncertain significance. Review status: criteria provided, single submitter (1 of 4 stars). 2 submissions from 2 submitters: Uncertain significance (1). 1 of the submissions does not count toward it. Last evaluated 2023-05-24.

Conditions:
Cardiac arrhythmia. Also called: Arrhythmia; Cardiac rhythm disease. Identifiers: MedGen C0003811, MONDO:0007263, HP:0011675.
Brugada syndrome 7 (BRGDA7). Identifiers: Orphanet 130, MedGen C2751088, MONDO:0013146, OMIM 613120.

gnomAD v4.1: 13 of 1,614,154 alleles (0.00081%); highest among the groups gnomAD compares: Non-Finnish European, 0.0011%; no homozygotes.

Submissions (2):

Labcorp Genetics (formerly Invitae), Labcorp
Classification: Uncertain significance for Brugada syndrome 7. Last evaluated: 2023-05-24. Review status: criteria provided, single submitter. Criteria: Invitae Variant Classification Sherloc (09022015). Collection method: clinical testing. Allele origin: germline.
Comment: In summary, the available evidence is currently insufficient to determine the role of this variant in disease. Therefore, it has been classified as a Variant of Uncertain Significance. ClinVar contains an entry for this variant (Variation ID: 224720). This sequence change replaces isoleucine, which is neutral and non-polar, with methionine, which is neutral and non-polar, at codon 141 of the SCN3B protein (p.Ile141Met). This variant is not present in population databases (gnomAD no frequency). This missense change has been observed in individual(s) with Long QT syndrome (PMID: 27435932). An algorithm developed to predict the effect of missense changes on protein structure and function (PolyPhen-2) suggests that this variant is likely to be disruptive.

Forensic Genetics Laboratory, Harris County Institute of Forensic Sciences
Classification: Pathogenic for Cardiac arrhythmia. Last evaluated: 2015-03-27. Review status: no assertion criteria provided. Collection method: clinical testing. Allele origin: unknown. Affected: yes. Observed: 1 heterozygote. Study: HCIFS-Postmortem genetic screening project. Not counted in ClinVar's aggregate classification.

Literature cited by the submitters: PubMed 27435932 (cited by Labcorp Genetics (formerly Invitae), Labcorp and Forensic Genetics Laboratory, Harris County Institute of Forensic Sciences).

NM_001040151.2(SCN3B):c.423C>G (p.Ile141Met)

Gene: SCN3B (sodium voltage-gated channel beta subunit 3; minus strand). Cytogenetic location: 11q24.1.
Variant type: single nucleotide variant.
Coding change: c.423C>G on transcript NM_001040151.2 (MANE Select); coding-DNA position 423, C replaced by G.
Protein change: p.Ile141Met; replaces isoleucine 141 with methionine.
Molecular consequence: missense variant.
Genome position (GRCh38, 1-based): chr11:123,642,468, G>C on the plus strand (C>G on the coding strand, the complement: SCN3B is on the minus strand). VCF-style: chr11-123642468-G-C. GRCh37 (hg19) VCF-style: chr11-123513176-G-C.
Other names: c.423C>G, p.Ile141Met (NM_018400.4); short protein forms I141M.
Identifiers: ClinVar variation 224720 (VCV000224720.9), dbSNP rs879253730, ClinGen allele CA10575989.
Genomic context (GRCh38, chr11:123,642,468, plus strand): 5'-GAGCAGGACGCCCTAGAGACCCTGTGCCTCAGCCTCACCCTCCTCGGTGACTCTTAGGGG[G>C]ATCAGCCGCGTCGTCTTCACAAAGGGCCGATGCGCCTCAAACTCAAACTCCCGGGACACA-3'
Protein context (NP_001035241.1, residues 131-151): HRPFVKTTRL[Ile141Met]PLRVTEEAGE